The following is an entry in ClinVar:

ClinVar aggregate classification (germline): Benign/Likely benign. Review status: criteria provided, multiple submitters, no conflicts (2 of 4 stars). 7 submissions from 7 submitters: Benign (6); Likely benign (1). Last evaluated 2026-02-04.

Conditions:
Netherton syndrome (NETH). Also called: NETHERTON DISEASE; ERYTHRODERMA, ICHTHYOSIFORM, WITH HYPOTRICHOSIS AND HYPER-IgE; COMEL-NETHERTON SYNDROME. Identifiers: Orphanet 634, MedGen C5574950, MONDO:0009735, OMIM 256500.
Ichthyosis linearis circumflexa. Identifiers: MedGen C0265962, MONDO:0043106, HP:0025810.

Allele frequency attached by ClinVar (database versions not stated): ESP Exome Variant Server 0.44801; 1000 Genomes Project 30x 0.45112; 1000 Genomes Project 0.45208; gnomAD 0.45982 and 0.46303; TOPMed 0.46568; ExAC 0.50968; gnomAD exomes 0.51084 and 0.52150.
gnomAD v4.1: 806,082 of 1,592,966 alleles (51%); highest among the groups gnomAD compares: Admixed American, 66%; 207,603 homozygotes.

Submissions (7):

Labcorp Genetics (formerly Invitae), Labcorp
Classification: Benign for Ichthyosis linearis circumflexa. Last evaluated: 2026-02-04. Review status: criteria provided, single submitter. Criteria: Invitae Variant Classification Sherloc (09022015). Collection method: clinical testing. Allele origin: germline.

Women's Health and Genetics/Laboratory Corporation of America, LabCorp
Classification: Benign. Last evaluated: 2026-01-08. Review status: criteria provided, single submitter. Criteria: LabCorp Variant Classification Summary - May 2015. Collection method: clinical testing. Allele origin: germline.

Blueprint Genetics
Classification: Likely benign. Last evaluated: 2024-11-26. Review status: criteria provided, single submitter. Criteria: ACMG Guidelines, 2015. Collection method: clinical testing. Allele origin: germline.

Unidad de Genómica Garrahan, Hospital de Pediatría Garrahan
Classification: Benign. Last evaluated: 2024-01-24. Review status: criteria provided, single submitter. Criteria: ACMG Guidelines, 2015. Collection method: clinical testing. Allele origin: germline. Affected: no. Observed: 84 variant alleles.
Comment: This variant is classified as Benign based on local population frequency. This variant was detected in 88% of patients studied by a panel of primary immunodeficiencies. Number of patients: 84. Only high quality variants are reported.

Genome-Nilou Lab
Classification: Benign for Netherton syndrome. Last evaluated: 2021-07-15. Review status: criteria provided, single submitter. Criteria: ACMG Guidelines, 2015. Collection method: clinical testing. Allele origin: germline. Affected: no.

GeneDx
Classification: Benign. Last evaluated: 2015-03-03. Review status: criteria provided, single submitter. Criteria: GeneDx Variant Classification Process June 2021. Collection method: clinical testing. Allele origin: germline. Affected: yes.

PreventionGenetics, part of Exact Sciences
Classification: Benign. Review status: criteria provided, single submitter. Criteria: ACMG Guidelines, 2015. Collection method: clinical testing. Allele origin: germline.

NM_006846.4(SPINK5):c.882+20A>G

Gene: SPINK5 (serine peptidase inhibitor Kazal type 5; plus strand). Cytogenetic location: 5q32.
Variant type: single nucleotide variant.
Coding change: c.882+20A>G on transcript NM_006846.4 (MANE Select); 20 bases into the intron after coding-DNA position 882, A replaced by G.
Molecular consequence: intron variant.
Genome position (GRCh38, 1-based): chr5:148,095,925, A>G. VCF-style: chr5-148095925-A-G. GRCh37 (hg19) VCF-style: chr5-147475488-A-G.
Other names: c.882+20A>G (NM_001127698.2, NM_001127699.2).
Identifiers: ClinVar variation 260056 (VCV000260056.20), dbSNP rs11958432, ClinGen allele CA3495386.